The following is an entry in ClinVar:

ClinVar aggregate classification (germline): Uncertain significance (1 of 4 stars; one submission).

Conditions:
Kabuki syndrome. Also called: NIIKAWA-KUROKI SYNDROME; Kabuki make-up syndrome. Identifiers: Orphanet 2322, MedGen C0796004, MONDO:0016512.

Allele frequency attached by ClinVar (database versions not stated): gnomAD exomes below 0.00001.
gnomAD v4.1: 1 of 1,598,086 alleles (0.000063%); highest among the groups gnomAD compares: South Asian, 0.0011%; no homozygotes.

Submission:

Labcorp Genetics (formerly Invitae), Labcorp
Classification: Uncertain significance for Kabuki syndrome. Last evaluated: 2025-10-09. Review status: criteria provided, single submitter. Criteria: Invitae Variant Classification Sherloc (09022015). Collection method: clinical testing. Allele origin: germline.
Comment: This sequence change replaces alanine, which is neutral and non-polar, with threonine, which is neutral and polar, at codon 3752 of the KMT2D protein (p.Ala3752Thr). This variant is not present in population databases (gnomAD no frequency). This variant has not been reported in the literature in individuals affected with KMT2D-related conditions. ClinVar contains an entry for this variant (Variation ID: 1523907). Invitae Evidence Modeling of protein sequence and biophysical properties (such as structural, functional, and spatial information, amino acid conservation, physicochemical variation, residue mobility, and thermodynamic stability) indicates that this missense variant is not expected to disrupt KMT2D protein function with a negative predictive value of 95%. Algorithms developed to predict the effect of sequence changes on RNA splicing suggest that this variant may create or strengthen a splice site. In summary, the available evidence is currently insufficient to determine the role of this variant in disease. Therefore, it has been classified as a Variant of Uncertain Significance.

NM_003482.4(KMT2D):c.11254G>A (p.Ala3752Thr)

Gene: KMT2D (lysine methyltransferase 2D; minus strand). Cytogenetic location: 12q13.12.
Variant type: single nucleotide variant.
Coding change: c.11254G>A on transcript NM_003482.4 (MANE Select); coding-DNA position 11254, G replaced by A.
Protein change: p.Ala3752Thr; replaces alanine 3752 with threonine.
Molecular consequence: missense variant.
Genome position (GRCh38, 1-based): chr12:49,033,451, C>T on the plus strand (G>A on the coding strand, the complement: KMT2D is on the minus strand). VCF-style: chr12-49033451-C-T. GRCh37 (hg19) VCF-style: chr12-49427234-C-T.
Other names: short protein forms A3752T.
Identifiers: ClinVar variation 1523907 (VCV001523907.8), dbSNP rs2120442896, ClinGen allele CA384720595.